The following is an entry in ClinVar:

ClinVar aggregate classification (germline): Uncertain significance (1 of 4 stars; one submission).

Conditions:
Fanconi anemia (FA). Also called: Fanconi's anemia. Identifiers: Orphanet 84, MedGen C0015625, MeSH D005199, MONDO:0019391.

Submission:

Labcorp Genetics (formerly Invitae), Labcorp
Classification: Uncertain significance for Fanconi anemia. Last evaluated: 2025-08-11. Review status: criteria provided, single submitter. Criteria: Invitae Variant Classification Sherloc (09022015). Collection method: clinical testing. Allele origin: germline.
Comment: This sequence change replaces aspartic acid, which is acidic and polar, with histidine, which is basic and polar, at codon 1197 of the FANCM protein (p.Asp1197His). This variant is not present in population databases (gnomAD no frequency). This variant has not been reported in the literature in individuals affected with FANCM-related conditions. An algorithm developed to predict the effect of missense changes on protein structure and function (PolyPhen-2) suggests that this variant is likely to be disruptive. In summary, the available evidence is currently insufficient to determine the role of this variant in disease. Therefore, it has been classified as a Variant of Uncertain Significance.

NM_020937.4(FANCM):c.3589G>C (p.Asp1197His)

Gene: FANCM (FA complementation group M; plus strand). Cytogenetic location: 14q21.2.
Variant type: single nucleotide variant.
Coding change: c.3589G>C on transcript NM_020937.4 (MANE Select); coding-DNA position 3589, G replaced by C.
Protein change: p.Asp1197His; replaces aspartic acid 1197 with histidine.
Molecular consequence: missense variant.
Genome position (GRCh38, 1-based): chr14:45,176,343, G>C. VCF-style: chr14-45176343-G-C. GRCh37 (hg19) VCF-style: chr14-45645546-G-C.
Other names: c.3511G>C, p.Asp1171His (NM_001308133.2); short protein forms D1171H, D1197H.
Identifiers: ClinVar variation 4725247 (VCV004725247.1).